The following is an entry in ClinVar:

ClinVar aggregate classification (germline): Uncertain significance. Review status: criteria provided, multiple submitters, no conflicts (2 of 4 stars). 4 submissions from 4 submitters: Uncertain significance (4). Last evaluated 2025-01-08.

Conditions:
Hereditary xanthinuria type 1 (XAN1). Identifiers: Orphanet 3467, Orphanet 93601, MedGen C0268118, MONDO:0010209, OMIM 278300.
XDH-related disorder. Also called: XDH-related condition.
Xanthinuria type II. Also called: Xanthine dehydrogenase and aldehyde oxidase combined deficiency of; XDH and AOX dual deficiency. Identifiers: Orphanet 3467, Orphanet 93602, MedGen C1863688, MONDO:0011346, OMIM 603592.

Allele frequency attached by ClinVar (database versions not stated): gnomAD exomes 0.00006; TOPMed 0.00006; ExAC 0.00007; gnomAD 0.00009; ESP Exome Variant Server 0.00023.
gnomAD v4.1: 172 of 1,614,100 alleles (0.011%); highest among the groups gnomAD compares: Non-Finnish European, 0.014%; no homozygotes.

Submissions (4):

PreventionGenetics, part of Exact Sciences
Classification: Uncertain significance for XDH-related condition. Last evaluated: 2025-01-08. Review status: criteria provided, single submitter. Criteria: ACMG Guidelines, 2015. Collection method: clinical testing. Allele origin: germline.
Comment: The XDH c.2911G>A variant is predicted to result in the amino acid substitution p.Glu971Lys. To our knowledge, this variant has not been reported in the literature. This variant is reported in 0.015% of alleles in individuals of European (non-Finnish) descent in gnomAD. At this time, the clinical significance of this variant is uncertain due to the absence of conclusive functional and genetic evidence.

Labcorp Genetics (formerly Invitae), Labcorp
Classification: Uncertain significance for Xanthinuria type II. Last evaluated: 2025-01-01. Review status: criteria provided, single submitter. Criteria: Invitae Variant Classification Sherloc (09022015). Collection method: clinical testing. Allele origin: germline.
Comment: This sequence change replaces glutamic acid, which is acidic and polar, with lysine, which is basic and polar, at codon 971 of the XDH protein (p.Glu971Lys). This variant is present in population databases (rs148921536, gnomAD 0.02%). This variant has not been reported in the literature in individuals affected with XDH-related conditions. ClinVar contains an entry for this variant (Variation ID: 335768). An algorithm developed to predict the effect of missense changes on protein structure and function (PolyPhen-2) suggests that this variant is likely to be disruptive. In summary, the available evidence is currently insufficient to determine the role of this variant in disease. Therefore, it has been classified as a Variant of Uncertain Significance.

Fulgent Genetics
Classification: Uncertain significance for Hereditary xanthinuria type 1. Last evaluated: 2022-02-02. Review status: criteria provided, single submitter. Criteria: ACMG Guidelines, 2015. Collection method: clinical testing. Allele origin: unknown.

Illumina Laboratory Services, Illumina
Classification: Uncertain significance for Hereditary xanthinuria type 1. Last evaluated: 2018-01-13. Review status: criteria provided, single submitter. Criteria: ICSL Variant Classification Criteria 13 December 2019. Collection method: clinical testing. Allele origin: germline.

NM_000379.4(XDH):c.2911G>A (p.Glu971Lys)

Gene: XDH (xanthine dehydrogenase; minus strand). Cytogenetic location: 2p23.1.
Variant type: single nucleotide variant.
Coding change: c.2911G>A on transcript NM_000379.4 (MANE Select); coding-DNA position 2911, G replaced by A.
Protein change: p.Glu971Lys; replaces glutamic acid 971 with lysine.
Molecular consequence: missense variant.
Genome position (GRCh38, 1-based): chr2:31,349,744, C>T on the plus strand (G>A on the coding strand, the complement: XDH is on the minus strand). VCF-style: chr2-31349744-C-T. GRCh37 (hg19) VCF-style: chr2-31572610-C-T.
Other names: short protein forms E971K.
Identifiers: ClinVar variation 335768 (VCV000335768.8), dbSNP rs148921536, ClinGen allele CA1598632.
Genomic context (GRCh38, chr2:31,349,744, plus strand): 5'-ACTTGTTGAACTTGTCAACCTCACTCTTCCGAGCATGATACTGAGAGCTTGCTAGGCATT[C>T]TTCCCAGCATCTGGGCAAGGTGAAACCCTCAAGCTTCTGGTTGAAGTGTGTCAGGTCCCC-3'
Protein context (NP_000370.2, residues 961-981): EGFTLPRCWE[Glu971Lys]CLASSQYHAR